The following is an entry in ClinVar:

NM_001035.3(RYR2):c.3460C>T (p.Arg1154Cys)

Gene: RYR2 (ryanodine receptor 2; plus strand). Cytogenetic location: 1q43.
Variant type: single nucleotide variant.
Coding change: c.3460C>T on transcript NM_001035.3 (MANE Select); coding-DNA position 3460, C replaced by T.
Protein change: p.Arg1154Cys; replaces arginine 1154 with cysteine.
Molecular consequence: missense variant.
Genome position (GRCh38, 1-based): chr1:237,569,181, C>T. VCF-style: chr1-237569181-C-T. GRCh37 (hg19) VCF-style: chr1-237732481-C-T.
Other names: short protein forms R1154C.
Identifiers: ClinVar variation 810737 (VCV000810737.8), dbSNP rs765617616, ClinGen allele CA086390.

ClinVar aggregate classification (germline): Uncertain significance. Review status: criteria provided, multiple submitters, no conflicts (2 of 4 stars). 5 submissions from 5 submitters: Uncertain significance (5). Last evaluated 2024-06-02.

Conditions:
Catecholaminergic polymorphic ventricular tachycardia (CVPT). Also called: Catecholamine-induced polymorphic ventricular tachycardia. Identifiers: Orphanet 3286, MedGen C5574922, MONDO:0017990.
Dilated cardiomyopathy 1C (CMD1C). Also called: CARDIOMYOPATHY, DILATED, 1C, WITH OR WITHOUT LEFT VENTRICULAR NONCOMPACTION; Cardiomyopathy, dilated, 1C, with or without LVNC. Identifiers: Orphanet 154, Orphanet 54260, MedGen C1832244, MONDO:0011094, OMIM 601493.
Catecholaminergic polymorphic ventricular tachycardia 1. Also called: VENTRICULAR TACHYCARDIA, CATECHOLAMINERGIC POLYMORPHIC, 1, WITH OR WITHOUT ATRIAL DYSFUNCTION AND/OR DILATED CARDIOMYOPATHY; RYR2-Related Catecholaminergic Polymorphic Ventricular Tachycardia; VENTRICULAR TACHYCARDIA, STRESS-INDUCED POLYMORPHIC 1. Identifiers: Orphanet 3286, MedGen C1631597, MONDO:0011484, OMIM 604772.

Allele frequency attached by ClinVar (database versions not stated): gnomAD exomes below 0.00001; TOPMed 0.00001; ExAC 0.00001; gnomAD 0.00003.
gnomAD v4.1: 10 of 1,613,694 alleles (0.00062%); highest among the groups gnomAD compares: African/African-American, 0.0027%; no homozygotes.

Submissions (5):

Labcorp Genetics (formerly Invitae), Labcorp
Classification: Uncertain significance for Catecholaminergic polymorphic ventricular tachycardia 1. Last evaluated: 2024-06-02. Review status: criteria provided, single submitter. Criteria: Invitae Variant Classification Sherloc (09022015). Collection method: clinical testing. Allele origin: germline.
Comment: This sequence change replaces arginine, which is basic and polar, with cysteine, which is neutral and slightly polar, at codon 1154 of the RYR2 protein (p.Arg1154Cys). This variant is present in population databases (rs765617616, gnomAD 0.004%). This variant has not been reported in the literature in individuals affected with RYR2-related conditions. ClinVar contains an entry for this variant (Variation ID: 810737). Advanced modeling of protein sequence and biophysical properties (such as structural, functional, and spatial information, amino acid conservation, physicochemical variation, residue mobility, and thermodynamic stability) performed at Invitae indicates that this missense variant is not expected to disrupt RYR2 protein function with a negative predictive value of 95%. In summary, the available evidence is currently insufficient to determine the role of this variant in disease. Therefore, it has been classified as a Variant of Uncertain Significance.

All of Us Research Program, National Institutes of Health
Classification: Uncertain significance for Catecholaminergic polymorphic ventricular tachycardia. Last evaluated: 2023-11-02. Review status: criteria provided, single submitter. Criteria: ACMG Guidelines, 2015. Collection method: clinical testing. Allele origin: germline. Inheritance: Autosomal dominant inheritance. Observed: 2 variant alleles, 2 heterozygotes.
Comment: This missense variant replaces arginine with cysteine at codon 1154 of the RYR2 protein. Computational prediction suggests that this variant may not impact protein structure and function (internally defined REVEL score threshold <= 0.5, PMID: 27666373). To our knowledge, functional studies have not been reported for this variant. This variant has not been reported in individuals affected with RYR2-related disorders in the literature. This variant has been identified in 3/280428 chromosomes in the general population by the Genome Aggregation Database (gnomAD). The available evidence is insufficient to determine the role of this variant in disease conclusively. Therefore, this variant is classified as a Variant of Uncertain Significance.

This study involves interpretation of variants in research participants for the purpose of population health screening. Participant phenotype was not available at the time of variant classification. Additional details can be found in publication PMID: 35346344, PMCID: PMC8962531

GeneDx
Classification: Uncertain significance. Last evaluated: 2023-01-09. Review status: criteria provided, single submitter. Criteria: GeneDx Variant Classification Process June 2021. Collection method: clinical testing. Allele origin: germline. Affected: yes.
Comment: Has not been previously published as pathogenic or benign to our knowledge; Not observed at significant frequency in large population cohorts (gnomAD); Not located in one of the three hot-spot regions of the RYR2 gene, where the majority of pathogenic missense variants occur (Medeiros-Domingo et al., 2009); In silico analysis supports that this missense variant has a deleterious effect on protein structure/function

Clinical Genetics Laboratory, Skane University Hospital Lund
Classification: Uncertain significance. Last evaluated: 2022-05-27. Review status: criteria provided, single submitter. Criteria: ACMG Guidelines, 2015. Collection method: clinical testing. Allele origin: germline. Affected: yes.

Agnes Ginges Centre for Molecular Cardiology, Centenary Institute
Classification: Uncertain significance for Dilated cardiomyopathy 1C. Last evaluated: 2018-10-16. Review status: criteria provided, single submitter. Criteria: ACMG Guidelines, 2015. Collection method: research. Allele origin: germline. Inheritance: Autosomal dominant inheritance. Affected: yes.
Comment: The RYR2 Arg1154Cys variant is present in the Genome Aggregation Database at an allele frequency of 0.000014. Computational tools SIFT, MutationTaster, and PolyPhen2 predict this variant to have a deleterious effect. In summary, based on the limited information and rarity in the general population, we classify RYR2 Arg1154Cys as a variant of "uncertain significance".